The following is an entry in ClinVar:

ClinVar aggregate classification (germline): Uncertain significance (1 of 4 stars; one submission).

Allele frequency attached by ClinVar (database versions not stated): gnomAD exomes below 0.00001.
gnomAD v4.1: 4 of 1,613,884 alleles (0.00025%); highest among the groups gnomAD compares: Non-Finnish European, 0.00034%; no homozygotes.

Submission:

Labcorp Genetics (formerly Invitae), Labcorp
Classification: Uncertain significance. Last evaluated: 2022-10-31. Review status: criteria provided, single submitter. Criteria: Invitae Variant Classification Sherloc (09022015). Collection method: clinical testing. Allele origin: germline.
Comment: This sequence change replaces isoleucine, which is neutral and non-polar, with threonine, which is neutral and polar, at codon 218 of the C2CD3 protein (p.Ile218Thr). This variant is not present in population databases (gnomAD no frequency). This variant has not been reported in the literature in individuals affected with C2CD3-related conditions. Advanced modeling of protein sequence and biophysical properties (such as structural, functional, and spatial information, amino acid conservation, physicochemical variation, residue mobility, and thermodynamic stability) performed at Invitae indicates that this missense variant is not expected to disrupt C2CD3 protein function. In summary, the available evidence is currently insufficient to determine the role of this variant in disease. Therefore, it has been classified as a Variant of Uncertain Significance.

NM_001286577.2(C2CD3):c.653T>C (p.Ile218Thr)

Gene: C2CD3 (C2 domain containing 3 centriole elongation regulator; minus strand). Cytogenetic location: 11q13.4.
Variant type: single nucleotide variant.
Coding change: c.653T>C on transcript NM_001286577.2 (MANE Select); coding-DNA position 653, T replaced by C.
Protein change: p.Ile218Thr; replaces isoleucine 218 with threonine.
Molecular consequence: missense variant.
Genome position (GRCh38, 1-based): chr11:74,139,659, A>G on the plus strand (T>C on the coding strand, the complement: C2CD3 is on the minus strand). VCF-style: chr11-74139659-A-G. GRCh37 (hg19) VCF-style: chr11-73850704-A-G.
Other names: c.653T>C, p.Ile218Thr (NM_015531.6); short protein forms I218T.
Identifiers: ClinVar variation 1718865 (VCV001718865.3), dbSNP rs2496601228, ClinGen allele CA381817517.
Genomic context (GRCh38, chr11:74,139,659, plus strand): 5'-AATTACCTCGGAGTGGTTGATCTACTGCTGTTGGCTGCTAACTCTTTTCCATCAATTTTG[A>G]TGGTATGTATGTCGCGAGGCCTTGATGGAACCTGAAACTGGGTACTGCTGGGTTCAGTAT-3'
Protein context (NP_001273506.1, residues 208-228): VPSRPRDIHT[Ile218Thr]KIDGKELAAN